The following is an entry in ClinVar:

ClinVar aggregate classification (germline): Uncertain significance (1 of 4 stars; one submission).

Conditions:
Joubert syndrome 3 (JBTS3). Also called: AHI1-related Ciliopathy. Identifiers: Orphanet 220493, MedGen C1837713, MONDO:0012078, OMIM 608629.

Submission:

3billion
Classification: Uncertain significance for Joubert syndrome 3. Last evaluated: 2026-01-24. Review status: criteria provided, single submitter. Criteria: ACMG Guidelines, 2015. Collection method: clinical testing. Allele origin: germline. Affected: yes.
Comment: The variant is not observed in the gnomAD v4.1.0 dataset. Predicted Consequence/Location: Missense variant In silico tool predictions suggest damaging effect of the variant on gene or gene product [REVEL: 0.75 (>=0.6, sensitivity 0.68 and specificity 0.92); 3Cnet: 0.75 (> 0.75, sensitivity 0.96 and precision 0.92)]. Different missense changes at the same codon (p.Arg495Cys, p.Arg495His) have been reported as pathogenic/likely pathogenic with strong evidence (ClinVar ID: VCV000030761, VCV000866291 /PMID: 21937992, 36460718). Therefore, this variant is classified as VUS according to the recommendation of ACMG/AMP guideline.

Literature cited by the submitters: PubMed 21937992.

NM_001134831.2(AHI1):c.1483C>G (p.Arg495Gly)

Gene: AHI1 (Abelson helper integration site 1; minus strand). Cytogenetic location: 6q23.3.
Variant type: single nucleotide variant.
Coding change: c.1483C>G on transcript NM_001134831.2 (MANE Select); coding-DNA position 1483, C replaced by G.
Protein change: p.Arg495Gly; replaces arginine 495 with glycine.
Molecular consequence: missense variant.
Genome position (GRCh38, 1-based): chr6:135,448,433, G>C on the plus strand (C>G on the coding strand, the complement: AHI1 is on the minus strand). VCF-style: chr6-135448433-G-C. GRCh37 (hg19) VCF-style: chr6-135769571-G-C.
Other names: c.1483C>G, p.Arg495Gly (NM_001134830.2, NM_001134832.2, NM_001350503.2 and 2 more transcripts); short protein forms R495G.
Identifiers: ClinVar variation 4854286 (VCV004854286.1).